The following is an entry in ClinVar:

NM_032802.4(SPPL2A):c.517G>A (p.Val173Met)

Gene: SPPL2A (signal peptide peptidase like 2A; minus strand). Cytogenetic location: 15q21.2.
Variant type: single nucleotide variant.
Coding change: c.517G>A on transcript NM_032802.4 (MANE Select); coding-DNA position 517, G replaced by A.
Protein change: p.Val173Met; replaces valine 173 with methionine.
Molecular consequence: missense variant.
Genome position (GRCh38, 1-based): chr15:50,747,562, C>T on the plus strand (G>A on the coding strand, the complement: SPPL2A is on the minus strand). VCF-style: chr15-50747562-C-T. GRCh37 (hg19) VCF-style: chr15-51039759-C-T.
Other names: c.517G>A (NM_032802.3); short protein forms V173M.
Identifiers: ClinVar variation 1505859 (VCV001505859.9), dbSNP rs781566248, ClinGen allele CA7558487.

ClinVar aggregate classification (germline): Uncertain significance. Review status: criteria provided, multiple submitters, no conflicts (2 of 4 stars). 2 submissions from 2 submitters: Uncertain significance (2). Last evaluated 2025-12-02.

Allele frequency attached by ClinVar (database versions not stated): ExAC 0.00001; gnomAD 0.00001; gnomAD exomes 0.00002; TOPMed 0.00002.

Submissions (2):

Ambry Genetics
Classification: Uncertain significance. Last evaluated: 2025-12-02. Review status: criteria provided, single submitter. Criteria: Ambry Variant Classification Scheme 2023. Collection method: clinical testing. Allele origin: germline.

Labcorp Genetics (formerly Invitae), Labcorp
Classification: Uncertain significance. Last evaluated: 2025-11-27. Review status: criteria provided, single submitter. Criteria: Invitae Variant Classification Sherloc (09022015). Collection method: clinical testing. Allele origin: germline.
Comment: This sequence change replaces valine, which is neutral and non-polar, with methionine, which is neutral and non-polar, at codon 173 of the SPPL2A protein (p.Val173Met). This variant is present in population databases (rs781566248, gnomAD 0.01%). This variant has not been reported in the literature in individuals affected with SPPL2A-related conditions. ClinVar contains an entry for this variant (Variation ID: 1505859). An algorithm developed to predict the effect of missense changes on protein structure and function (PolyPhen-2) suggests that this variant is likely to be disruptive. In summary, the available evidence is currently insufficient to determine the role of this variant in disease. Therefore, it has been classified as a Variant of Uncertain Significance.